The following is an entry in ClinVar:

NM_182931.3(KMT2E):c.3584A>G (p.Asn1195Ser)

Gene: KMT2E (lysine methyltransferase 2E (inactive); plus strand). Cytogenetic location: 7q22.3.
Variant type: single nucleotide variant.
Coding change: c.3584A>G on transcript NM_182931.3 (MANE Select); coding-DNA position 3584, A replaced by G.
Protein change: p.Asn1195Ser; replaces asparagine 1195 with serine.
Molecular consequence: missense variant.
Genome position (GRCh38, 1-based): chr7:105,109,057, A>G. VCF-style: chr7-105109057-A-G. GRCh37 (hg19) VCF-style: chr7-104749504-A-G.
Other names: c.3584A>G (NM_182931.2); c.3584A>G, p.Asn1195Ser (NM_001410908.1, NM_018682.4); short protein forms N1195S.
Identifiers: ClinVar variation 2056592 (VCV002056592.30), dbSNP rs145923995, ClinGen allele CA4424518.

ClinVar aggregate classification (germline): Benign/Likely benign. Review status: criteria provided, multiple submitters, no conflicts (2 of 4 stars). 4 submissions from 4 submitters: Benign (1); Likely benign (2). 1 of the submissions does not count toward it. Last evaluated 2026-09-01.

Conditions:
KMT2E-related disorder. Also called: KMT2E-related condition.

Allele frequency attached by ClinVar (database versions not stated): 1000 Genomes Project 30x 0.00031; 1000 Genomes Project 0.00040; gnomAD 0.00069; ExAC 0.00072; ESP Exome Variant Server 0.00192.
gnomAD v4.1: 2,389 of 1,614,186 alleles (0.15%); highest among the groups gnomAD compares: Non-Finnish European, 0.19%; 4 homozygotes.

Submissions (4):

CeGaT Center for Human Genetics Tuebingen
Classification: Likely benign. Last evaluated: 2026-09-01. Review status: criteria provided, single submitter. Criteria: CeGaT Center For Human Genetics Tuebingen Variant Classification Criteria Version 2. Collection method: clinical testing. Allele origin: germline. Affected: yes. Observed: 5 variant alleles.
Comment: KMT2E: BP4, BS1

Labcorp Genetics (formerly Invitae), Labcorp
Classification: Benign. Last evaluated: 2026-01-05. Review status: criteria provided, single submitter. Criteria: Invitae Variant Classification Sherloc (09022015). Collection method: clinical testing. Allele origin: germline.

Blueprint Genetics
Classification: Likely benign. Last evaluated: 2024-11-25. Review status: criteria provided, single submitter. Criteria: ACMG Guidelines, 2015. Collection method: clinical testing. Allele origin: germline.

PreventionGenetics, part of Exact Sciences
Classification: Likely benign for KMT2E-related condition. Last evaluated: 2020-11-21. Review status: no assertion criteria provided. Collection method: clinical testing. Allele origin: germline. Not counted in ClinVar's aggregate classification.
Comment: This variant is classified as likely benign based on ACMG/AMP sequence variant interpretation guidelines (Richards et al. 2015 PMID: 25741868, with internal and published modifications).